The following is an entry in ClinVar:

ClinVar aggregate classification (germline): Uncertain significance. Review status: criteria provided, multiple submitters, no conflicts (2 of 4 stars). 2 submissions from 2 submitters: Uncertain significance (2). Last evaluated 2025-09-17.

Conditions:
Epileptic encephalopathy. Identifiers: MedGen C0543888, HP:0200134.

Allele frequency attached by ClinVar (database versions not stated): TOPMed 0.00009; gnomAD exomes 0.00003; ExAC 0.00007; gnomAD 0.00009.
gnomAD v4.1: 56 of 1,612,066 alleles (0.0035%); highest among the groups gnomAD compares: East Asian, 0.085%; no homozygotes.

Submissions (2):

Labcorp Genetics (formerly Invitae), Labcorp
Classification: Uncertain significance for Epileptic encephalopathy. Last evaluated: 2025-09-17. Review status: criteria provided, single submitter. Criteria: Invitae Variant Classification Sherloc (09022015). Collection method: clinical testing. Allele origin: germline.
Comment: This sequence change replaces asparagine, which is neutral and polar, with serine, which is neutral and polar, at codon 978 of the FASN protein (p.Asn978Ser). This variant is present in population databases (rs745505679, gnomAD 0.06%). This variant has not been reported in the literature in individuals affected with FASN-related conditions. ClinVar contains an entry for this variant (Variation ID: 3092937). An algorithm developed to predict the effect of missense changes on protein structure and function outputs the following: PolyPhen-2: "Benign". The serine amino acid residue is found in multiple mammalian species, which suggests that this missense change does not adversely affect protein function. In summary, the available evidence is currently insufficient to determine the role of this variant in disease. Therefore, it has been classified as a Variant of Uncertain Significance.

Ambry Genetics
Classification: Uncertain significance. Last evaluated: 2023-10-25. Review status: criteria provided, single submitter. Criteria: Ambry Variant Classification Scheme 2023. Collection method: clinical testing. Allele origin: germline.

NM_004104.5(FASN):c.2933A>G (p.Asn978Ser)

Gene: FASN (fatty acid synthase; minus strand). Cytogenetic location: 17q25.3.
Variant type: single nucleotide variant.
Coding change: c.2933A>G on transcript NM_004104.5 (MANE Select); coding-DNA position 2933, A replaced by G.
Protein change: p.Asn978Ser; replaces asparagine 978 with serine.
Molecular consequence: missense variant.
Genome position (GRCh38, 1-based): chr17:82,087,795, T>C on the plus strand (A>G on the coding strand, the complement: FASN is on the minus strand). VCF-style: chr17-82087795-T-C. GRCh37 (hg19) VCF-style: chr17-80045671-T-C.
Other names: short protein forms N978S.
Identifiers: ClinVar variation 3092937 (VCV003092937.2), dbSNP rs745505679, ClinGen allele CA8852576.
Genomic context (GRCh38, chr17:82,087,795, plus strand): 5'-CCACGCAGACGCAGCTCCTTGTAAACTTCAGCCTGGGCCAGGAAGAGGGGCTCCGTGGGG[T>C]TGGGGGTGGGGCTTTCCGGGTGGTCGAAGAGCCTGGGGTCAGGGTCATCCCACTGGTACA-3'
Protein context (NP_004095.4, residues 968-988): LFDHPESPTP[Asn978Ser]PTEPLFLAQA